The following is an entry in ClinVar:

NM_022725.4(FANCF):c.388dup (p.Gln130fs)

Gene: FANCF (FA complementation group F; minus strand). Cytogenetic location: 11p14.3.
Variant type: Duplication.
Coding change: c.388dup on transcript NM_022725.4 (MANE Select); coding-DNA position 388, one base duplicated (C; older notation c.388dupC).
Protein change: p.Gln130fs; shifts the reading frame from glutamine 130.
Molecular consequence: frameshift variant.
Genome position (GRCh38, 1-based): chr11:22,625,423, G duplicated on the plus strand (C on the coding strand, the reverse complement: FANCF is on the minus strand); the first of 2 consecutive G bases (chr11:22,625,423-22,625,424); duplicating either gives the same sequence. VCF-style (leftmost placement, unchanged base first): chr11-22625422-T-TG. GRCh37 (hg19) VCF-style: chr11-22646968-T-TG.
Other names: short protein forms Q130fs.
Identifiers: ClinVar variation 2641690 (VCV002641690.28), dbSNP rs2494867744, ClinGen allele CA2521117772.
Genomic context (GRCh38, chr11:22,625,422, plus strand): 5'-CCATTGAAGCGCAGCATGTGCACCGCAGACCGCCGGCGGGCAAGGCGGGCCAGGCTCTCT[T>TG]GGAGTGTCTCCTCATCGGCGTCCCGGACGCCCGGGCCGGGAAAGAGTTGCTGCACCAGGT-3'

ClinVar aggregate classification (germline): Pathogenic/Likely pathogenic. Review status: criteria provided, multiple submitters, no conflicts (2 of 4 stars). 3 submissions from 3 submitters: Pathogenic (1); Likely pathogenic (2). Last evaluated 2024-01-19.

Conditions:
Fanconi anemia (FA). Also called: Fanconi's anemia. Identifiers: Orphanet 84, MedGen C0015625, MeSH D005199, MONDO:0019391.
Fanconi anemia complementation group F. Also called: FANCF-Related Fanconi Anemia. Identifiers: Orphanet 84, MedGen C3469526, MONDO:0011325, OMIM 603467.

Submissions (3):

Labcorp Genetics (formerly Invitae), Labcorp
Classification: Pathogenic for Fanconi anemia. Last evaluated: 2024-01-19. Review status: criteria provided, single submitter. Criteria: Invitae Variant Classification Sherloc (09022015). Collection method: clinical testing. Allele origin: germline.
Comment: This sequence change creates a premature translational stop signal (p.Gln130Profs*23) in the FANCF gene. While this is not anticipated to result in nonsense mediated decay, it is expected to disrupt the last 245 amino acid(s) of the FANCF protein. This variant is not present in population databases (gnomAD no frequency). This variant has not been reported in the literature in individuals affected with FANCF-related conditions. ClinVar contains an entry for this variant (Variation ID: 2641690). This variant disrupts a region of the FANCF protein in which other variant(s) (p.Gly231Glufs*7) have been determined to be pathogenic (PMID: 11063725, 12649160, 27714961). This suggests that this is a clinically significant region of the protein, and that variants that disrupt it are likely to be disease-causing. For these reasons, this variant has been classified as Pathogenic.

Baylor Genetics
Classification: Likely pathogenic for Fanconi anemia complementation group F. Last evaluated: 2022-12-07. Review status: criteria provided, single submitter. Criteria: ACMG Guidelines, 2015. Collection method: clinical testing. Allele origin: unknown.

CeGaT Center for Human Genetics Tuebingen
Classification: Likely pathogenic. Last evaluated: 2022-12-01. Review status: criteria provided, single submitter. Criteria: CeGaT Center For Human Genetics Tuebingen Variant Classification Criteria Version 2. Collection method: clinical testing. Allele origin: germline. Affected: yes. Observed: 1 variant allele.
Comment: FANCF: PVS1:Strong, PM2

Literature cited by the submitters: PubMed 11063725 (cited by Labcorp Genetics (formerly Invitae), Labcorp); PubMed 12649160 (cited by Labcorp Genetics (formerly Invitae), Labcorp); PubMed 27714961 (cited by Labcorp Genetics (formerly Invitae), Labcorp).